The following is an entry in ClinVar:

NM_003074.4(SMARCC1):c.576+7G>C

Gene: SMARCC1 (SWI/SNF related BAF chromatin remodeling complex subunit C1; minus strand). Cytogenetic location: 3p21.31.
Variant type: single nucleotide variant.
Coding change: c.576+7G>C on transcript NM_003074.4 (MANE Select); 7 bases into the intron after coding-DNA position 576, G replaced by C.
Molecular consequence: intron variant.
Genome position (GRCh38, 1-based): chr3:47,736,027, C>G on the plus strand (G>C on the coding strand, the complement: SMARCC1 is on the minus strand). VCF-style: chr3-47736027-C-G. GRCh37 (hg19) VCF-style: chr3-47777517-C-G.
Identifiers: ClinVar variation 2653766 (VCV002653766.24), dbSNP rs201513443, ClinGen allele CA2369397.
Genomic context (GRCh38, chr3:47,736,027, plus strand): 5'-TAGAGGCTTACAACTACAAAATGAAGTGATCGTGTCTATTATTATCTGAAGTGATTGTGT[C>G]TATTACCTGATGTCGTTTGATGATATCTTTCAATTTGTTAGCCAACTTCAGATCAATGTC-3'

ClinVar aggregate classification (germline): Likely benign (1 of 4 stars; one submission).

Allele frequency attached by ClinVar (database versions not stated): ExAC 0.00028; ESP Exome Variant Server 0.00038; gnomAD 0.00053; TOPMed 0.00053; gnomAD exomes 0.00071.
gnomAD v4.1: 966 of 1,406,026 alleles (0.069%); highest among the groups gnomAD compares: Non-Finnish European, 0.09%; 1 homozygote.

Submission:

CeGaT Center for Human Genetics Tuebingen
Classification: Likely benign. Last evaluated: 2023-03-01. Review status: criteria provided, single submitter. Criteria: CeGaT Center For Human Genetics Tuebingen Variant Classification Criteria Version 2. Collection method: clinical testing. Allele origin: germline. Affected: yes. Observed: 1 variant allele.
Comment: SMARCC1: BP4